The following continues an entry in ClinVar:

NM_007194.4(CHEK2):c.1421G>A (p.Arg474His)

Gene: CHEK2. ClinVar aggregate classification (germline): Conflicting classifications of pathogenicity. Likely pathogenic (14); Uncertain significance (9).

Submissions 9 to 27 of 27:

Women's Health and Genetics/Laboratory Corporation of America, LabCorp
Classification: Uncertain significance. Last evaluated: 2025-09-03. Review status: criteria provided, single submitter. Criteria: LabCorp Variant Classification Summary - May 2015. Collection method: clinical testing. Allele origin: germline.
Comment: Variant summary: CHEK2 c.1421G>A (p.Arg474His) results in a non-conservative amino acid change in the encoded protein sequence. Algorithms developed to predict the effect of missense changes on protein structure and function all suggest that this variant is likely to be disruptive. The variant allele was found at a frequency of 6.4e-05 in 233796 control chromosomes. This frequency is not significantly higher than estimated for disease-causing variants in CHEK2, allowing no conclusion about variant significance. c.1421G>A has been reported in individuals affected with breast cancer, ovarian cancer, or an unspecified hereditary cancer (e.g. Girard_2019, de Oliveira_2022, Kleiblova_2019, Couch_2015, Rizzolo_2019, Brovkina_2018, Bhai_2021, Akcay_2021). These report(s) do not provide unequivocal conclusions about association of the variant with Hereditary Breast And Ovarian Cancer Syndrome. At least one publication reports experimental evidence evaluating an impact on protein function. The most pronounced variant effect results in <20% of normal kinase activity (Kleiblova_2019, Boonen_2022). The following publications have been ascertained in the context of this evaluation (PMID: 32658311, 34326862, 34903604, 30333958, 25452441, 30303537, 26506619, 31050813, 30613976, 30374176, 25186627, 35534704). ClinVar contains an entry for this variant (Variation ID: 126910). Based on the evidence outlined above, the variant was classified as VUS-possibly pathogenic.

Institute of Immunology and Genetics Kaiserslautern
Classification: Likely pathogenic for Breast-ovarian cancer, familial, susceptibility to, 1. Last evaluated: 2025-07-30. Review status: criteria provided, single submitter. Criteria: ACMG Guidelines, 2015. Collection method: clinical testing. Allele origin: germline. Affected: yes.
Comment: ACMG Criteria: PS3, PM5_P, PP3.

St. Jude Molecular Pathology, St. Jude Children's Research Hospital
Classification: Likely pathogenic for Predisposition to cancer. Last evaluated: 2025-06-17. Review status: criteria provided, single submitter. Criteria: St. Jude Assertion Criteria 2020. Collection method: clinical testing. Allele origin: germline.
Comment: The CHEK2 c.1421G>A p.(Arg474His) missense change has a maximum subpopulation frequency of 0.02% in gnomAD v2.1.1. The in silico tool REVEL predicts a deleterious effect on protein function and functional studies support that this variant impairs CHK2 kinase activity (PMID: 31050813, 34903604, 37449874). In a large breast cancer case-control analysis, this variant was enriched in breast cancer cases compared to controls (PMID: 37449874). In summary, this variant meets criteria to be classified as likely pathogenic.

Color Diagnostics, LLC DBA Color Health
Classification: Likely pathogenic for Hereditary cancer-predisposing syndrome. Last evaluated: 2025-05-21. Review status: criteria provided, single submitter. Criteria: ACMG Guidelines, 2015. Collection method: clinical testing. Allele origin: germline.
Comment: This missense variant replaces arginine with histidine at codon 474 of the CHEK2 protein. This variant impacts a highly conserved arginine in the kinase domain of the protein (PMID: 15060014, 19782031). Computational prediction suggests that this variant may have deleterious impact on protein structure and function. Functional studies have reported that this variant impacts CHEK2 function in kinase assays and DNA damage response performed in mouse embryonic stem cells, yeast and in vitro models (PMID: 30851065, 31050813, 34903604, 37449874). This variant has been been found associated with breast cancer in case-control meta-analyses (PMID: 33471991: 18/60466 cases and 0/53461 controlsPMID: 37449874: 29 cases, 9 controls, OR 3.68 [95% CI 1.70-8.84]). This variant also has been reported in individuals affected with breast cancer (PMID: 25186627, 25452441, 29522266, 30303537, 35534704). This variant has been identified in 19/265178 chromosomes in the general population by the Genome Aggregation Database (gnomAD). Based on the available evidence, this variant is classified as Likely Pathogenic.

Quest Diagnostics Nichols Institute San Juan Capistrano
Classification: Likely pathogenic. Last evaluated: 2025-04-07. Review status: criteria provided, single submitter. Criteria: Quest Diagnostics criteria. Collection method: clinical testing. Allele origin: unknown.
Comment: The CHEK2 c.1421G>A (p.Arg474His) variant has been reported in the published literature in individuals affected with breast and/or ovarian cancer (PMIDs: 31050813 (2019), 29522266 (2018), 25186627 (2015)), including showing statistically significant enrichment in breast cancer cases compared to matched controls (PMIDs: 37449874 (2023), 33471991 (2021), see also LOVD), as well as in one individual with non-Hodgkins lymphoma (PMID: 26506619 (2015)). Functional evidence suggests that this variant may impact CHEK2 protein function (PMIDs: 37449874 (2023), 34903604 (2021), 31050813 (2019)). The frequency of this variant in the general population (Genome Aggregation Database) is uninformative in the assessment of its pathogenicity. Analysis of this variant using bioinformatics tools for the prediction of the effect of amino acid changes on protein structure and function yielded predictions that this variant is damaging. Based on the available information, this variant is classified as likely pathogenic.

Department of Clinical Genetics, Copenhagen University Hospital, Rigshospitalet
Classification: Uncertain significance for Hereditary cancer-predisposing syndrome. Last evaluated: 2025-02-04. Review status: criteria provided, single submitter. Criteria: ACMG Guidelines, 2015. Collection method: clinical testing. Allele origin: germline.
Comment: PS3; PS4_SUP

German Consortium for Hereditary Breast and Ovarian Cancer, University Hospital Cologne
Classification: Likely pathogenic for Hereditary breast ovarian cancer syndrome. Last evaluated: 2024-11-11. Review status: criteria provided, single submitter. Criteria: ACMG Guidelines, 2015. Collection method: curation. Allele origin: germline.
Comment: According to the ACMG SVI adaptation criteria we chose these criteria: PS3 (strong pathogenic): Kleiblova (2019) PMID: 31050813 --> damaging Stolarova (2023) PMID: 37449874 --> damaging, PS4 (supporting pathogenic): Dorling et al. (2020) (PMID: 35585550): in 18/60466 Cases, in 0/53461 Controls, PP3 (medium pathogenic): REVEL (0.867) Pathogenic Moderate

Blueprint Genetics
Classification: Likely pathogenic for CHEK2-related disorders. Last evaluated: 2024-11-08. Review status: criteria provided, single submitter. Criteria: ACMG Guidelines, 2015. Collection method: clinical testing. Allele origin: germline. Affected: yes. Observed: 5 variant alleles.

Institute of Human Genetics, University of Leipzig Medical Center
Classification: Likely pathogenic for Familial cancer of breast. Last evaluated: 2024-05-22. Review status: criteria provided, single submitter. Criteria: ACMG Guidelines, 2015. Collection method: clinical testing. Allele origin: unknown. Inheritance: Autosomal dominant inheritance. Affected: yes.
Comment: Criteria applied: PS3,PM5,PS4_SUP

Baylor Genetics
Classification: Uncertain significance for Familial cancer of breast. Last evaluated: 2024-02-07. Review status: criteria provided, single submitter. Criteria: ACMG Guidelines, 2015. Collection method: clinical testing. Allele origin: unknown.

Institute of Human Genetics, University of Leipzig Medical Center
Classification: Likely pathogenic for CHEK2-related cancer predisposition. Last evaluated: 2023-11-03. Review status: criteria provided, single submitter. Criteria: ACMG Guidelines, 2015. Collection method: clinical testing. Allele origin: unknown. Affected: yes.
Comment: the same text as in the submission from Institute of Human Genetics, University of Leipzig Medical Center above.

KCCC/NGS Laboratory, Kuwait Cancer Control Center
Classification: Uncertain significance for Familial cancer of breast. Last evaluated: 2023-07-07. Review status: criteria provided, single submitter. Criteria: ACMG Guidelines, 2015. Collection method: clinical testing. Allele origin: unknown. Affected: yes.
Comment: The p.R474H variant (also known as c.1421G>A), located in coding exon 12 of the CHEK2 gene, results from a G to A substitution at nucleotide position 1421. The arginine at codon 474 is replaced by histidine, an amino acid with highly similar properties. This alteration has been detected in a familial breast and ovarian cancer patient (reported as c.1550G>A, p.Arg517His under reference sequence NM_001005735.1) and reported in the germline of 1/340 non-Hodgkin lymphoma patients and in 0/445 non-cancer controls (Havranek O et al. PLoS ONE. 2015 Oct;10:e0140819; Brovkina OI et al. Front Oncol. 2018 Oct 2;8:421). This amino acid position is highly conserved in available vertebrate species. This variant has an entry in ClinVar with 9 submissions, one pathogenic, on “not provided”, and 7 uncertain significance, one star. Alternative variant chr22:29090060 C⇒A (Arg474Leu) is classified Likely Pathogenic, 0 stars, by ClinVar In addition, this alteration is predicted to be pathogenic computational verdict based on 12 pathogenic predictions from BayesDel_addAF, DANN, DEOGEN2, EIGEN, FATHMM-MKL, LIST-S2, M-CAP, MVP, MutationAssessor, MutationTaster, REVEL and SIFT vs 1 benign prediction from PrimateAI. Therefore, this variant is classified as of uncertain significance.

Institute for Biomarker Research, Medical Diagnostic Laboratories, L.L.C.
Classification: Likely pathogenic for Hereditary cancer-predisposing syndrome. Last evaluated: 2023-06-15. Review status: criteria provided, single submitter. Criteria: ACMG Guidelines, 2015. Collection method: clinical testing. Allele origin: germline.

CHEO Genetics Diagnostic Laboratory, Children's Hospital of Eastern Ontario
Classification: Uncertain significance for Breast and/or ovarian cancer. Last evaluated: 2023-06-12. Review status: criteria provided, single submitter. Criteria: ACMG Guidelines, 2015. Collection method: clinical testing. Allele origin: germline.

Department of Pathology and Laboratory Medicine, Sinai Health System
Classification: Uncertain significance for CHEK2-related cancer predisposition. Last evaluated: 2022-12-23. Review status: criteria provided, single submitter. Criteria: ACMG Guidelines, 2015. Collection method: clinical testing. Allele origin: germline. Affected: yes.

Zotz-Klimas Genetics Lab, MVZ Zotz Klimas
Classification: Uncertain significance for CHEK2-related cancer predisposition. Last evaluated: 2023-10-30. Review status: no assertion criteria provided. Collection method: clinical testing. Allele origin: germline. Affected: yes. Not counted in ClinVar's aggregate classification.

Counsyl
Classification: Uncertain significance for Familial cancer of breast. Last evaluated: 2017-04-25. Review status: no assertion criteria provided. Collection method: clinical testing. Allele origin: unknown. Not counted in ClinVar's aggregate classification.

Institute. of Biochemistry and Experimental Oncology, First Faculty of Medicine, Charles University in Prague
No classification provided. Review status: no classification provided. Collection method: not provided. Allele origin: germline. Not counted in ClinVar's aggregate classification.
Comment: Characterized in 1 out of 340 Non Hodgkin lymphoma patients.

Myriad Genetics, Inc.
Classification: Likely benign for Familial cancer of breast. Last evaluated: 2023-03-09. Review status: flagged submission. Criteria: Myriad Autosomal Dominant, Autosomal Recessive and X-Linked Classification Criteria (2023). Collection method: clinical testing. Allele origin: unknown. Not counted in ClinVar's aggregate classification.
Comment: This variant is considered likely benign. This variant is strongly associated with less severe personal and family histories of cancer, typical for individuals without pathogenic variants in this gene [PMID: 25085752].
ClinVar note: Reason: Outlier claim with insufficient supporting evidence

Literature cited by the submitters: PubMed 25186627 (cited by 5 submitters); PubMed 25452441 (cited by 6 submitters); PubMed 26506619 (cited by 5 submitters); PubMed 29522266 (cited by Ambry Genetics and Color Diagnostics, LLC DBA Color Health); PubMed 30303537 (cited by 4 submitters); PubMed 30374176 (cited by Ambry Genetics and Women's Health and Genetics/Laboratory Corporation of America, LabCorp); PubMed 31050813 (cited by 7 submitters); PubMed 31409080 (cited by Ambry Genetics and Center for Genomic Medicine, Rigshospitalet, Copenhagen University Hospital); PubMed 33471991 (cited by 3 submitters); PubMed 34903604 (cited by 8 submitters); PubMed 36288950 (cited by Ambry Genetics and Quest Diagnostics Nichols Institute San Juan Capistrano); PubMed 37449874 (cited by 5 submitters); PubMed 30333958 (cited by 3 submitters); PubMed 30613976 (cited by Labcorp Genetics (formerly Invitae), Labcorp and Women's Health and Genetics/Laboratory Corporation of America, LabCorp); PubMed 35534704 (cited by 3 submitters); PubMed 39146382 (cited by Center for Genomic Medicine, Rigshospitalet, Copenhagen University Hospital); PubMed 35643632 (cited by Otogenetics); PubMed 27900359 (cited by Otogenetics); PubMed 32658311 (cited by Women's Health and Genetics/Laboratory Corporation of America, LabCorp); PubMed 34326862 (cited by Women's Health and Genetics/Laboratory Corporation of America, LabCorp); PubMed 15060014 (cited by Color Diagnostics, LLC DBA Color Health); PubMed 19782031 (cited by Color Diagnostics, LLC DBA Color Health); PubMed 30851065 (cited by Color Diagnostics, LLC DBA Color Health); PubMed 31422574 (cited by Quest Diagnostics Nichols Institute San Juan Capistrano); PubMed 39594831 (cited by Quest Diagnostics Nichols Institute San Juan Capistrano); PubMed 38153744 (cited by Quest Diagnostics Nichols Institute San Juan Capistrano); PubMed 25085752 (cited by Myriad Genetics, Inc.).